The following is an entry in ClinVar:

NM_003896.4(ST3GAL5):c.1163T>C (p.Met388Thr)

Gene: ST3GAL5 (ST3 beta-galactoside alpha-2,3-sialyltransferase 5; minus strand). Cytogenetic location: 2p11.2.
Variant type: single nucleotide variant.
Coding change: c.1163T>C on transcript NM_003896.4 (MANE Select); coding-DNA position 1163, T replaced by C.
Protein change: p.Met388Thr; replaces methionine 388 with threonine.
Molecular consequence: missense variant.
Genome position (GRCh38, 1-based): chr2:85,840,238, A>G on the plus strand (T>C on the coding strand, the complement: ST3GAL5 is on the minus strand). VCF-style: chr2-85840238-A-G. GRCh37 (hg19) VCF-style: chr2-86067361-A-G.
Other names: c.1094T>C, p.Met365Thr (NM_001042437.2); c.779T>C, p.Met260Thr (NM_001354223.2, NM_001354224.2, NM_001354226.2 and 3 more transcripts); c.1079T>C, p.Met360Thr (NM_001354227.2, NM_001354229.2, NM_001354238.1); c.440T>C, p.Met147Thr (NM_001354247.1); c.1004T>C, p.Met335Thr (NM_001363847.1); short protein forms M388T, M335T, M360T, M260T, M147T, M365T.
Identifiers: ClinVar variation 580458 (VCV000580458.13), dbSNP rs755800174, ClinGen allele CA1744876.

ClinVar aggregate classification (germline): Uncertain significance. Review status: criteria provided, multiple submitters, no conflicts (2 of 4 stars). 3 submissions from 3 submitters: Uncertain significance (3). Last evaluated 2024-05-13.

Conditions:
GM3 synthase deficiency (SPDRS). Also called: SALT AND PEPPER DEVELOPMENTAL REGRESSION SYNDROME; AMISH INFANTILE EPILEPSY SYNDROME; SALT AND PEPPER MENTAL RETARDATION SYNDROME. Identifiers: Orphanet 171714, Orphanet 370933, MedGen C1836824, MONDO:0018274, OMIM 609056.

Allele frequency attached by ClinVar (database versions not stated): ExAC 0.00002; gnomAD exomes 0.00004 and 0.00005; gnomAD 0.00023 and 0.00026; TOPMed 0.00024.
gnomAD v4.1: 93 of 1,614,032 alleles (0.0058%); highest among the groups gnomAD compares: Admixed American, 0.065%; no homozygotes.

Submissions (3):

Blueprint Genetics
Classification: Uncertain significance. Last evaluated: 2024-05-13. Review status: criteria provided, single submitter. Criteria: ACMG Guidelines, 2015. Collection method: clinical testing. Allele origin: germline.

Labcorp Genetics (formerly Invitae), Labcorp
Classification: Uncertain significance for GM3 synthase deficiency. Last evaluated: 2022-08-22. Review status: criteria provided, single submitter. Criteria: Invitae Variant Classification Sherloc (09022015). Collection method: clinical testing. Allele origin: germline.
Comment: This sequence change replaces methionine, which is neutral and non-polar, with threonine, which is neutral and polar, at codon 388 of the ST3GAL5 protein (p.Met388Thr). This variant is present in population databases (rs755800174, gnomAD 0.03%). This variant has not been reported in the literature in individuals affected with ST3GAL5-related conditions. ClinVar contains an entry for this variant (Variation ID: 580458). Algorithms developed to predict the effect of missense changes on protein structure and function (SIFT, PolyPhen-2, Align-GVGD) all suggest that this variant is likely to be disruptive. In summary, the available evidence is currently insufficient to determine the role of this variant in disease. Therefore, it has been classified as a Variant of Uncertain Significance.

Illumina Laboratory Services, Illumina
Classification: Uncertain significance for GM3 synthase deficiency. Last evaluated: 2018-01-13. Review status: criteria provided, single submitter. Criteria: ICSL Variant Classification Criteria 13 December 2019. Collection method: clinical testing. Allele origin: germline.